The following is an entry in ClinVar:

NM_002755.4(MAP2K1):c.212T>C (p.Ile71Thr)

Gene: MAP2K1 (mitogen-activated protein kinase kinase 1; plus strand). Cytogenetic location: 15q22.31.
Variant type: single nucleotide variant.
Coding change: c.212T>C on transcript NM_002755.4 (MANE Select); coding-DNA position 212, T replaced by C.
Protein change: p.Ile71Thr; replaces isoleucine 71 with threonine.
Molecular consequence: missense variant.
Genome position (GRCh38, 1-based): chr15:66,435,158, T>C. VCF-style: chr15-66435158-T-C. GRCh37 (hg19) VCF-style: chr15-66727496-T-C.
Other names: short protein forms I71T.
Identifiers: ClinVar variation 1494111 (VCV001494111.6), dbSNP rs2140579455, ClinGen allele CA392929352.

ClinVar aggregate classification (germline): Uncertain significance (1 of 4 stars; one submission).

Conditions:
RASopathy. Also called: Noonan spectrum disorder; rasopathies. Identifiers: Orphanet 536391, MedGen C5555857, MONDO:0021060.

Submission:

Labcorp Genetics (formerly Invitae), Labcorp
Classification: Uncertain significance for RASopathy. Last evaluated: 2021-07-31. Review status: criteria provided, single submitter. Criteria: Invitae Variant Classification Sherloc (09022015). Collection method: clinical testing. Allele origin: germline.
Comment: Algorithms developed to predict the effect of missense changes on protein structure and function (SIFT, PolyPhen-2, Align-GVGD) all suggest that this variant is likely to be tolerated. This variant has not been reported in the literature in individuals affected with MAP2K1-related conditions. This variant is not present in population databases (ExAC no frequency). This sequence change replaces isoleucine with threonine at codon 71 of the MAP2K1 protein (p.Ile71Thr). The isoleucine residue is moderately conserved and there is a moderate physicochemical difference between isoleucine and threonine. In summary, the available evidence is currently insufficient to determine the role of this variant in disease. Therefore, it has been classified as a Variant of Uncertain Significance.